The following is an entry in ClinVar:

ClinVar aggregate classification (germline): Pathogenic/Likely pathogenic. Review status: criteria provided, multiple submitters, no conflicts (2 of 4 stars). 12 submissions from 12 submitters: Pathogenic (6); Likely pathogenic (5). 1 of the submissions does not count toward it. Last evaluated 2026-01-15.

Conditions:
SLC26A4-related disorder. Also called: SLC26A4-related condition; SLC26A4-related disorders.
Rare genetic deafness. Identifiers: Orphanet 96210, MedGen C5680250.
Autosomal recessive nonsyndromic hearing loss 4 (DFNB4). Also called: Nonsyndromic enlarged vestibular aqueduct (NSEVA); Deafness, autosomal recessive 4, with enlarged vestibular aqueduct; Deafness, autosomal recessive 4; Enlarged vestibular aqueduct, digenic; FOXI1-Related Pendred Syndrome; KCNJ10-Related Pendred Syndrome. Identifiers: Orphanet 90636, MedGen C3538946, MONDO:0010933, OMIM 600791.
Pendred syndrome (PDS). Also called: Pendred's syndrome; Pendred Syndrome (PDS); HYPOTHYROIDISM, CONGENITAL, DUE TO DYSHORMONOGENESIS, 2B; DEAFNESS WITH GOITER; GOITER-DEAFNESS SYNDROME; THYROID DYSHORMONOGENESIS 2B. Identifiers: Orphanet 705, MedGen C0271829, MONDO:0010134, OMIM 274600.

Allele frequency attached by ClinVar (database versions not stated): ExAC 0.00002; gnomAD exomes 0.00002 and 0.00004; gnomAD 0.00003; TOPMed 0.00004.
gnomAD v4.1: 56 of 1,609,138 alleles (0.0035%); highest among the groups gnomAD compares: Non-Finnish European, 0.0044%; no homozygotes.

Submissions (12):

Natera, Inc.
Classification: Pathogenic for Pendred syndrome. Last evaluated: 2026-01-15. Review status: criteria provided, single submitter. Criteria: Natera Variant Classification Schema (03/2026). Collection method: clinical testing. Allele origin: germline.
Comment: The c.2171A>G variant in SLC26A4 is a missense variant predicted to cause substitution of aspartic acid to glycine at amino acid 724. This variant is rare in the general population with a frequency below the threshold expected for the associated phenotype(s). This variant has been observed in one or more individuals affected with the associated recessive disease, as either homozygous or compound heterozygous with a second variant (PMID: 14679580, 18285825, 24224479, 31633822). Functional studies show that this variant may disrupt protein function (PMID: 19017801). Computational prediction algorithms indicate this variant is likely to affect gene or protein function. Given the available evidence, this variant is classified as Pathogenic.

Labcorp Genetics (formerly Invitae), Labcorp
Classification: Pathogenic. Last evaluated: 2026-01-03. Review status: criteria provided, single submitter. Criteria: Invitae Variant Classification Sherloc (09022015). Collection method: clinical testing. Allele origin: germline.
Comment: This sequence change replaces aspartic acid, which is acidic and polar, with glycine, which is neutral and non-polar, at codon 724 of the SLC26A4 protein (p.Asp724Gly). This variant is present in population databases (rs757820624, gnomAD 0.004%). This missense change has been observed in individual(s) with Pendred syndrome or nonsyndromic enlarged vestibular aqueduct (PMID: 14679580, 15811013, 24224479). In at least one individual the data is consistent with being in trans (on the opposite chromosome) from a pathogenic variant. ClinVar contains an entry for this variant (Variation ID: 228396). Invitae Evidence Modeling of protein sequence and biophysical properties (such as structural, functional, and spatial information, amino acid conservation, physicochemical variation, residue mobility, and thermodynamic stability) indicates that this missense variant is expected to disrupt SLC26A4 protein function with a positive predictive value of 95%. Experimental studies have shown that this missense change affects SLC26A4 function (PMID: 19017801). This variant disrupts the p.Asp724 amino acid residue in SLC26A4. Other variant(s) that disrupt this residue have been observed in individuals with SLC26A4-related conditions (PMID: 15355436, 27344577), which suggests that this may be a clinically significant amino acid residue. For these reasons, this variant has been classified as Pathogenic.

GeneDx
Classification: Pathogenic. Last evaluated: 2025-07-11. Review status: criteria provided, single submitter. Criteria: GeneDx Variant Classification Process June 2021. Collection method: clinical testing. Allele origin: germline. Affected: yes.
Comment: Published functional studies demonstrate a damaging effect on iodide transport (PMID: 19017801); In silico analysis supports that this missense variant has a deleterious effect on protein structure/function; This variant is associated with the following publications: (PMID: 18285825, 27344577, 20668687, 24224479, 14679580, 25491636, 19509082, 15811013, 15355436, 24860705, 19017801, 31589614, 33199029, 36515421)

PreventionGenetics, part of Exact Sciences
Classification: Likely pathogenic for SLC26A4-related condition. Last evaluated: 2025-06-19. Review status: criteria provided, single submitter. Criteria: ACMG Guidelines, 2015. Collection method: clinical testing. Allele origin: germline.
Comment: The SLC26A4 c.2171A>G variant is predicted to result in the amino acid substitution p.Asp724Gly. This variant was reported in the compound heterozygous state in three individual with non-syndromic enlarged vestibular aqueduct or Mondini dysplasia and hearing loss without goiter (Prasad et al. 2004. PubMed ID: 14679580; Pera et al. 2008. PubMed ID: 19017801; Ladsous et al. 2014. PubMed ID: 24224479) and was found to abolish iodide transport activity in a functional in vitro assay (Pera et al. 2008. PubMed ID: 19017801). This variant is reported in 0.0080% of alleles in individuals of African descent in gnomAD. This variant is interpreted as likely pathogenic.

Fulgent Genetics
Classification: Likely pathogenic for Pendred syndrome; Autosomal recessive nonsyndromic hearing loss 4. Last evaluated: 2024-04-06. Review status: criteria provided, single submitter. Criteria: ACMG Guidelines, 2015. Collection method: clinical testing. Allele origin: germline.

Baylor Genetics
Classification: Pathogenic for Autosomal recessive nonsyndromic hearing loss 4. Last evaluated: 2024-02-09. Review status: criteria provided, single submitter. Criteria: ACMG Guidelines, 2015. Collection method: clinical testing. Allele origin: unknown.

Blueprint Genetics
Classification: Pathogenic for SLC26A4-related disorders. Last evaluated: 2023-08-29. Review status: criteria provided, single submitter. Criteria: ACMG Guidelines, 2015. Collection method: clinical testing. Allele origin: germline. Affected: yes. Observed: 5 variant alleles.

Revvity Omics, Revvity
Classification: Likely pathogenic. Last evaluated: 2022-05-30. Review status: criteria provided, single submitter. Criteria: ACMG Guidelines, 2015. Collection method: clinical testing. Allele origin: germline.

Genome-Nilou Lab
Classification: Pathogenic for Pendred syndrome. Last evaluated: 2021-09-05. Review status: criteria provided, single submitter. Criteria: ACMG Guidelines, 2015. Collection method: clinical testing. Allele origin: germline. Affected: no.

Laboratory for Molecular Medicine, Mass General Brigham Personalized Medicine
Classification: Likely pathogenic for Rare genetic deafness. Last evaluated: 2019-10-30. Review status: criteria provided, single submitter. Criteria: LMM Criteria. Collection method: clinical testing. Allele origin: germline. Inheritance: Autosomal recessive inheritance. Observed: 6 variant alleles.
Comment: The p.Asp724Gly variant in SLC26A4 has been previously reported in three individuals with hearing loss and EVA or Pendred syndrome who were compound heterozygous with a pathogenic variant (Prasad 2004, Arellano 2005, Ladsous 2014). A different missense variant at the same position (p.Asp724Asn) has also been reported in one individual with Pendred syndrome who was compound heterozygous for a second pathogenic variant (Blons 2004). In addition, in vitro functional studies suggest the variant impairs the normal function of the protein (Pera 2008), and computational and conservation analysis support a deleterious effect. The variant has also been identified in 0.008% (2/24966) of African chromosomes by gnomAD; however this frequency is low enough to be consistent with a recessive carrier frequency. In summary, although additional studies are required to fully establish its clinical significance, the p.Asp724Gly variant is likely pathogenic for autosomal recessive Pendred syndrome. ACMG/AMP Criteria applied: PM3_Strong, PM2_Supporting, PS3_Supporting, PP4, PP3.

Illumina Laboratory Services, Illumina
Classification: Likely pathogenic for SLC26A4-Related Disorders. Last evaluated: 2018-12-03. Review status: criteria provided, single submitter. Criteria: ICSL Variant Classification Criteria 09 May 2019. Collection method: clinical testing. Allele origin: germline.
Comment: The SLC26A4 c.2171A>G (p.Asp724Gly) missense variant has been reported in at least three studies and is found in a total of four probands, including three probands in a compound heterozygous state and one proband in a heterozygous state (Prasad et al. 2004; Pera et al. 2008; Ladsous et al. 2014). Of the three compound heterozygous probands; two probands were clinically diagnosed with Pendred syndrome and one proband was noted to have non-syndromic enlarged vestibular aqueduct. The heterozygous proband was described to have non-syndromic hearing loss, although an alternate etiology was suspected to be causative, this phenotype and thus this proband was considered a coincidental carrier of the p.Asp724Gly variant (Pera et al. 2008). The p.Asp724Gly variant was reported in two of 648 controls alleles and is reported at a frequency of 0.000032 in the European (non-Finnish) population of the Genome Aggregation Database. The Asp724 residue is highly conserved. The p.Asp724Gly variant protein was expressed in HEK-293 phoenix cells and had no detectable iodide transport when analyzed with fluorometry, indicating complete inactivation in comparison to wildtype (Pera et al. 2008). Based on the evidence, the p.Asp724Gly variant is classified as likely pathogenic for SLC26A4-related disorders. This variant was observed by ICSL as part of a predisposition screen in an ostensibly healthy population.

Counsyl
Classification: Likely pathogenic for Pendred syndrome. Last evaluated: 2018-10-24. Review status: no assertion criteria provided. Collection method: clinical testing. Allele origin: unknown. Not counted in ClinVar's aggregate classification.

Literature cited by the submitters: PubMed 31633822 (cited by Natera, Inc.); PubMed 18285825 (cited by Natera, Inc. and Counsyl); PubMed 14679580 (cited by 5 submitters); PubMed 24224479 (cited by 5 submitters); PubMed 19017801 (cited by 5 submitters); PubMed 15811013 (cited by Labcorp Genetics (formerly Invitae), Labcorp and Laboratory for Molecular Medicine, Mass General Brigham Personalized Medicine); PubMed 15355436 (cited by Labcorp Genetics (formerly Invitae), Labcorp and Laboratory for Molecular Medicine, Mass General Brigham Personalized Medicine); PubMed 27344577 (cited by Labcorp Genetics (formerly Invitae), Labcorp); PubMed 20668687 (cited by Laboratory for Molecular Medicine, Mass General Brigham Personalized Medicine); PubMed 19509082 (cited by Counsyl); PubMed 25491636 (cited by Counsyl).

NM_000441.2(SLC26A4):c.2171A>G (p.Asp724Gly)

Genes: SLC26A4 (solute carrier family 26 member 4; plus strand), LOC123956210 (Sharpr-MPRA regulatory region 3291; plus strand). Cytogenetic location: 7q22.3.
Variant type: single nucleotide variant.
Coding change: c.2171A>G on transcript NM_000441.2 (MANE Select); coding-DNA position 2171, A replaced by G.
Protein change: p.Asp724Gly; replaces aspartic acid 724 with glycine.
Molecular consequence: missense variant.
Genome position (GRCh38, 1-based): chr7:107,710,135, A>G. VCF-style: chr7-107710135-A-G. GRCh37 (hg19) VCF-style: chr7-107350580-A-G.
Other names: short protein forms D724G.
Identifiers: ClinVar variation 228396 (VCV000228396.36), dbSNP rs757820624, ClinGen allele CA4433064.